The following is an entry in ClinVar:

ClinVar aggregate classification (germline): Likely pathogenic (1 of 4 stars; one submission).

Conditions:
Congenital contractural arachnodactyly (CCA). Also called: Beals-Hecht syndrome; BEALS SYNDROME; Arthrogryposis, distal, type 9. Identifiers: Orphanet 115, MedGen C0220668, MONDO:0007363, OMIM 121050.

Submission:

Labcorp Genetics (formerly Invitae), Labcorp
Classification: Likely pathogenic for Congenital contractural arachnodactyly. Last evaluated: 2020-11-20. Review status: criteria provided, single submitter. Criteria: Invitae Variant Classification Sherloc (09022015). Collection method: clinical testing. Allele origin: germline.
Comment: In summary, the currently available evidence indicates that the variant is pathogenic, but additional data are needed to prove that conclusively. Therefore, this variant has been classified as Likely Pathogenic. This variant affects a cysteine residue located within an epidermal growth factor (EGF)–like domain of the FBN2 protein. Cysteine residues in these domains are involved in the formation of disulfide bridges critical for protein structure and stability (PMID: 3495735, 4750422, 16677079). In addition, missense substitutions within the FBN2 EGF-like domains affecting cysteine residues are overrepresented in patients with congenital contractural arachnodactyly (PMID: 18767143). This variant has not been reported in the literature in individuals with FBN2-related disease. This variant is not present in population databases (ExAC no frequency). This sequence change replaces cysteine with tryptophan at codon 1352 of the FBN2 protein (p.Cys1352Trp). The cysteine residue is moderately conserved and there is a large physicochemical difference between cysteine and tryptophan.

Literature cited by the submitters: PubMed 3495735; PubMed 4750422; PubMed 16677079; PubMed 18767143.

NM_001999.4(FBN2):c.4056T>G (p.Cys1352Trp)

Gene: FBN2 (fibrillin 2; minus strand). Cytogenetic location: 5q23.3.
Variant type: single nucleotide variant.
Coding change: c.4056T>G on transcript NM_001999.4 (MANE Select); coding-DNA position 4056, T replaced by G.
Protein change: p.Cys1352Trp; replaces cysteine 1352 with tryptophan.
Molecular consequence: missense variant.
Genome position (GRCh38, 1-based): chr5:128,334,762, A>C on the plus strand (T>G on the coding strand, the complement: FBN2 is on the minus strand). VCF-style: chr5-128334762-A-C. GRCh37 (hg19) VCF-style: chr5-127670454-A-C.
Other names: short protein forms C1352W.
Identifiers: ClinVar variation 528417 (VCV000528417.7), dbSNP rs1479056828, ClinGen allele CA360756957.